The following is an entry in ClinVar:

ClinVar aggregate classification (germline): Conflicting classifications of pathogenicity. Review status: criteria provided, conflicting classifications (1 of 4 stars). 2 submissions from 2 submitters: Pathogenic (1); Uncertain significance (1). Last evaluated 2023-07-27.

Conditions:
Hereditary spastic paraplegia 4. Also called: Spastic paraplegia 4, autosomal dominant; Spastic Paraplegia 4; Familial spastic paraplegia autosomal dominant 2. Identifiers: Orphanet 100985, MedGen C1866855, MONDO:0008438, OMIM 182601.

Submissions (2):

Labcorp Genetics (formerly Invitae), Labcorp
Classification: Uncertain significance for Hereditary spastic paraplegia 4. Last evaluated: 2023-07-27. Review status: criteria provided, single submitter. Criteria: Invitae Variant Classification Sherloc (09022015). Collection method: clinical testing. Allele origin: germline.
Comment: This sequence change replaces alanine, which is neutral and non-polar, with serine, which is neutral and polar, at codon 495 of the SPAST protein (p.Ala495Ser). This variant is not present in population databases (gnomAD no frequency). This variant has not been reported in the literature in individuals affected with SPAST-related conditions. ClinVar contains an entry for this variant (Variation ID: 960966). Advanced modeling of protein sequence and biophysical properties (such as structural, functional, and spatial information, amino acid conservation, physicochemical variation, residue mobility, and thermodynamic stability) performed at Invitae indicates that this missense variant is expected to disrupt SPAST protein function. This variant disrupts the p.Ala495 amino acid residue in SPAST. Other variant(s) that disrupt this residue have been determined to be pathogenic (PMID: 31157359, 32989326). This suggests that this residue is clinically significant, and that variants that disrupt this residue are likely to be disease-causing. In summary, the available evidence is currently insufficient to determine the role of this variant in disease. Therefore, it has been classified as a Variant of Uncertain Significance.

Paris Brain Institute, Inserm - ICM
Classification: Pathogenic for Hereditary spastic paraplegia 4. Review status: criteria provided, single submitter. Criteria: ACMG Guidelines, 2015. Collection method: clinical testing. Allele origin: unknown. Affected: yes. Observed: 1 variant allele.

Literature cited by the submitters: PubMed 31157359 (cited by Labcorp Genetics (formerly Invitae), Labcorp); PubMed 32989326 (cited by Labcorp Genetics (formerly Invitae), Labcorp).

NM_014946.4(SPAST):c.1483G>T (p.Ala495Ser)

Gene: SPAST (spastin; plus strand). Cytogenetic location: 2p22.3.
Variant type: single nucleotide variant.
Coding change: c.1483G>T on transcript NM_014946.4 (MANE Select); coding-DNA position 1483, G replaced by T.
Protein change: p.Ala495Ser; replaces alanine 495 with serine.
Molecular consequence: missense variant.
Genome position (GRCh38, 1-based): chr2:32,137,178, G>T. VCF-style: chr2-32137178-G-T. GRCh37 (hg19) VCF-style: chr2-32362247-G-T.
Other names: c.1480G>T, p.Ala494Ser (NM_001363823.2); c.1384G>T, p.Ala462Ser (NM_001363875.2); c.1387G>T, p.Ala463Ser (NM_001377959.1, NM_199436.2); short protein forms A463S, A462S, A494S, A495S.
Identifiers: ClinVar variation 960966 (VCV000960966.13), dbSNP rs1060502228, ClinGen allele CA346502530.